The following is an entry in ClinVar:

ClinVar aggregate classification (germline): Conflicting classifications of pathogenicity. Review status: criteria provided, conflicting classifications (1 of 4 stars). 3 submissions from 3 submitters: Uncertain significance (2); Likely benign (1). Last evaluated 2025-10-13.

Conditions:
Charcot-Marie-Tooth disease type 2. Also called: Charcot-Marie-Tooth type 2. Identifiers: Orphanet 64746, MedGen C0270914, MONDO:0018993.

Allele frequency attached by ClinVar (database versions not stated): gnomAD 0.00009; ExAC 0.00004; TOPMed 0.00007.
gnomAD v4.1: 20 of 1,614,038 alleles (0.0012%); highest among the groups gnomAD compares: African/African-American, 0.024%; no homozygotes.

Submissions (3):

Labcorp Genetics (formerly Invitae), Labcorp
Classification: Uncertain significance for Charcot-Marie-Tooth disease type 2. Last evaluated: 2025-10-13. Review status: criteria provided, single submitter. Criteria: Invitae Variant Classification Sherloc (09022015). Collection method: clinical testing. Allele origin: germline.
Comment: This sequence change replaces threonine, which is neutral and polar, with isoleucine, which is neutral and non-polar, at codon 20 of the KIF1B protein (p.Thr20Ile). This variant is present in population databases (rs538135467, gnomAD 0.03%). This variant has not been reported in the literature in individuals affected with KIF1B-related conditions. ClinVar contains an entry for this variant (Variation ID: 947677). Invitae Evidence Modeling of protein sequence and biophysical properties (such as structural, functional, and spatial information, amino acid conservation, physicochemical variation, residue mobility, and thermodynamic stability) indicates that this missense variant is not expected to disrupt KIF1B protein function with a negative predictive value of 80%. In summary, the available evidence is currently insufficient to determine the role of this variant in disease. Therefore, it has been classified as a Variant of Uncertain Significance.

Ambry Genetics
Classification: Likely benign. Last evaluated: 2025-08-21. Review status: criteria provided, single submitter. Criteria: Ambry Variant Classification Scheme 2023. Collection method: clinical testing. Allele origin: germline.

Breakthrough Genomics
Classification: Uncertain significance. Review status: criteria provided, single submitter. Criteria: ACMG Guidelines, 2015. Collection method: not provided. Allele origin: germline. Inheritance: Autosomal dominant inheritance. Affected: yes.

NM_001365951.3(KIF1B):c.59C>T (p.Thr20Ile)

Genes: KIF1B (kinesin family member 1B; plus strand), LOC129388446 (MPRA-validated peak64 silencer; plus strand). Cytogenetic location: 1p36.22.
Variant type: single nucleotide variant.
Coding change: c.59C>T on transcript NM_001365951.3 (MANE Select); coding-DNA position 59, C replaced by T.
Protein change: p.Thr20Ile; replaces threonine 20 with isoleucine.
Molecular consequence: missense variant.
Genome position (GRCh38, 1-based): chr1:10,232,387, C>T. VCF-style: chr1-10232387-C-T. GRCh37 (hg19) VCF-style: chr1-10292445-C-T.
Other names: c.59C>T, p.Thr20Ile (NM_001365952.1, NM_001365953.1, NM_015074.3 and 1 more transcripts); short protein forms T20I.
Identifiers: ClinVar variation 947677 (VCV000947677.14), dbSNP rs538135467, ClinGen allele CA580596.